The following is an entry in ClinVar:

ClinVar aggregate classification (germline): Likely pathogenic. Review status: criteria provided, multiple submitters, no conflicts (2 of 4 stars). 2 submissions from 2 submitters: Likely pathogenic (2). Last evaluated 2025-12-13.

Conditions:
Agenesis of the corpus callosum with peripheral neuropathy (ACCPN). Also called: Hereditary Motor and Sensory Neuropathy with Agenesis of the Corpus Callosum; HMSN/ACC; CHARLEVOIX DISEASE; POLYNEUROPATHY, SENSORIMOTOR, WITH OR WITHOUT AGENESIS OF THE CORPUS CALLOSUM. Identifiers: Orphanet 1496, MedGen C0795950, MONDO:0000902, OMIM 218000. Disease mechanism: loss of function.

Submissions (2):

Natera, Inc.
Classification: Likely pathogenic for Andermann syndrome. Last evaluated: 2025-12-13. Review status: criteria provided, single submitter. Criteria: Natera Variant Classification Schema (03/2026). Collection method: clinical testing. Allele origin: germline.
Comment: The c.288dupC variant in SLC12A6 is a frameshift variant predicted to shift the reading frame beginning at codon 97 and leads to a stop codon 14 codons downstream. This variant is expected to result in nonsense mediated decay, truncation, or a dysfunctional protein product. This variant is rare in the general population with a frequency below the threshold expected for the associated phenotype(s). Given the available evidence, this variant is classified as Likely Pathogenic.

Baylor Genetics
Classification: Likely pathogenic for Agenesis of the corpus callosum with peripheral neuropathy. Last evaluated: 2022-05-22. Review status: criteria provided, single submitter. Criteria: ACMG Guidelines, 2015. Collection method: clinical testing. Allele origin: unknown.

NM_001365088.1(SLC12A6):c.288dup (p.Ile97fs)

Gene: SLC12A6 (solute carrier family 12 member 6; minus strand). Cytogenetic location: 15q14.
Variant type: Duplication.
Coding change: c.288dup on transcript NM_001365088.1 (MANE Select); coding-DNA position 288, one base duplicated (C; older notation c.288dupC).
Protein change: p.Ile97fs; shifts the reading frame from isoleucine 97.
Molecular consequence: frameshift variant. On other transcripts: genic downstream transcript variant (1).
Genome position (GRCh38, 1-based): chr15:34,275,373, G duplicated on the plus strand (C on the coding strand, the reverse complement: SLC12A6 is on the minus strand); the first of 2 consecutive G bases (chr15:34,275,373-34,275,374); duplicating either gives the same sequence. VCF-style (leftmost placement, unchanged base first): chr15-34275372-T-TG. GRCh37 (hg19) VCF-style: chr15-34567573-T-TG.
Other names: c.111dup, p.Ile38fs (NM_001042494.2, NM_001042495.2); c.261dup, p.Ile88fs (NM_001042496.2); c.135dup, p.Ile46fs (NM_005135.2); c.288dup, p.Ile97fs (NM_133647.2); c.272-14353dup (NM_001042497.2); c.288dupC (NM_133647.1); short protein forms I38fs, I46fs, I88fs, I97fs.
Identifiers: ClinVar variation 2678761 (VCV002678761.2), dbSNP rs2509893598, ClinGen allele CA2695197247.